The following is an entry in ClinVar:

NM_001145809.2(MYH14):c.1357A>G (p.Lys453Glu)

Gene: MYH14 (myosin heavy chain 14; plus strand). Cytogenetic location: 19q13.33.
Variant type: single nucleotide variant.
Coding change: c.1357A>G on transcript NM_001145809.2 (MANE Select); coding-DNA position 1357, A replaced by G.
Protein change: p.Lys453Glu; replaces lysine 453 with glutamic acid.
Molecular consequence: missense variant.
Genome position (GRCh38, 1-based): chr19:50,249,014, A>G. VCF-style: chr19-50249014-A-G. GRCh37 (hg19) VCF-style: chr19-50752271-A-G.
Other names: c.1357A>G, p.Lys453Glu (NM_001077186.2); c.1333A>G, p.Lys445Glu (NM_024729.4); short protein forms K445E, K453E.
Identifiers: ClinVar variation 1430142 (VCV001430142.6), dbSNP rs2123302097, ClinGen allele CA406958858.
Genomic context (GRCh38, chr19:50,249,014, plus strand): 5'-GGCTGCGCCCTTACCATGAGCCCTGTCCCACAGGCTGACTTCGCGCTGGAGGCCCTGGCC[A>G]AGGCCACCTACGAGCGCCTCTTCCGCTGGCTGGTTCTGCGCCTCAACCGGGCCTTGGACC-3'
Protein context (NP_001139281.1, residues 443-463): QADFALEALA[Lys453Glu]ATYERLFRWL

ClinVar aggregate classification (germline): Uncertain significance (1 of 4 stars; one submission).

Allele frequency attached by ClinVar (database versions not stated): gnomAD exomes below 0.00001.
gnomAD v4.1: 1 of 1,613,678 alleles (0.000062%); highest among the groups gnomAD compares: East Asian, 0.0022%; no homozygotes.

Submission:

Labcorp Genetics (formerly Invitae), Labcorp
Classification: Uncertain significance. Last evaluated: 2022-03-11. Review status: criteria provided, single submitter. Criteria: Invitae Variant Classification Sherloc (09022015). Collection method: clinical testing. Allele origin: germline.
Comment: This missense change has been observed in at least one individual who was not affected with MYH14-related conditions (Invitae). In summary, the available evidence is currently insufficient to determine the role of this variant in disease. Therefore, it has been classified as a Variant of Uncertain Significance. Algorithms developed to predict the effect of missense changes on protein structure and function (SIFT, PolyPhen-2, Align-GVGD) all suggest that this variant is likely to be disruptive. This variant has not been reported in the literature in individuals affected with MYH14-related conditions. This variant is not present in population databases (gnomAD no frequency). This sequence change replaces lysine, which is basic and polar, with glutamic acid, which is acidic and polar, at codon 445 of the MYH14 protein (p.Lys445Glu).